The following is an entry in ClinVar:

ClinVar aggregate classification (germline): Likely benign (1 of 4 stars; one submission).

Conditions:
SCLT1-related disorder. Also called: SCLT1-related condition.

Submission:

PreventionGenetics, part of Exact Sciences
Classification: Likely benign for SCLT1-related condition. Last evaluated: 2025-11-11. Review status: criteria provided, single submitter. Criteria: ACMG Guidelines, 2015. Collection method: clinical testing. Allele origin: germline.
Comment: This variant is classified as likely benign based on ACMG/AMP sequence variant interpretation guidelines (Richards et al. 2015 PMID: 25741868, with internal and published modifications).

NM_144643.4(SCLT1):c.1377A>C (p.Ser459=)

Gene: SCLT1 (sodium channel and clathrin linker 1; minus strand). Cytogenetic location: 4q28.2.
Variant type: single nucleotide variant.
Coding change: c.1377A>C on transcript NM_144643.4 (MANE Select); coding-DNA position 1377, A replaced by C.
Protein change: p.Ser459=; no amino-acid change (serine 459 retained).
Molecular consequence: synonymous variant.
Genome position (GRCh38, 1-based): chr4:128,946,069, T>G on the plus strand (A>C on the coding strand, the complement: SCLT1 is on the minus strand). VCF-style: chr4-128946069-T-G. GRCh37 (hg19) VCF-style: chr4-129867224-T-G.
Other names: c.1377A>C, p.Ser459= (NM_001410807.1).
Identifiers: ClinVar variation 4995567 (VCV004995567.1).